The following is an entry in ClinVar:

NM_002734.5(PRKAR1A):c.1123A>T (p.Ser375Cys)

Gene: PRKAR1A (protein kinase cAMP-dependent type I regulatory subunit alpha; plus strand). Cytogenetic location: 17q24.2.
Variant type: single nucleotide variant.
Coding change: c.1123A>T on transcript NM_002734.5 (MANE Select); coding-DNA position 1123, A replaced by T.
Protein change: p.Ser375Cys; replaces serine 375 with cysteine.
Molecular consequence: missense variant. On other transcripts: intron variant (1).
Genome position (GRCh38, 1-based): chr17:68,530,426, A>T. VCF-style: chr17-68530426-A-T. GRCh37 (hg19) VCF-style: chr17-66526567-A-T.
Other names: c.1123A>T, p.Ser375Cys (NM_001276289.2, NM_001278433.2, NM_001369389.1 and 3 more transcripts); c.973+425A>T (NM_001276290.1); short protein forms S375C.
Identifiers: ClinVar variation 4862517 (VCV004862517.1).

ClinVar aggregate classification (germline): Uncertain significance (1 of 4 stars; one submission).

Conditions:
Hereditary cancer-predisposing syndrome. Also called: Neoplastic Syndromes, Hereditary; Tumor predisposition; Hereditary Cancer Syndrome; Hereditary neoplastic syndrome. Identifiers: Orphanet 140162, MedGen C0027672, MeSH D009386, MONDO:0015356.

Submission:

Ambry Genetics
Classification: Uncertain significance for Hereditary cancer-predisposing syndrome. Last evaluated: 2026-05-14. Review status: criteria provided, single submitter. Criteria: Ambry Variant Classification Scheme 2023. Collection method: clinical testing. Allele origin: germline.
Comment: The p.S375C variant (also known as c.1123A>T), located in coding exon 10 of the PRKAR1A gene, results from an A to T substitution at nucleotide position 1123. The serine at codon 375 is replaced by cysteine, an amino acid with dissimilar properties. This amino acid position is conserved. In addition, this alteration is predicted to be deleterious by in silico analysis. Based on the available evidence, the clinical significance of this variant remains unclear.